The following is an entry in ClinVar:

NM_001330078.2(NRXN1):c.2657G>T (p.Gly886Val)

Gene: NRXN1 (neurexin 1; minus strand). Cytogenetic location: 2p16.3.
Variant type: single nucleotide variant.
Coding change: c.2657G>T on transcript NM_001330078.2 (MANE Select); coding-DNA position 2657, G replaced by T.
Protein change: p.Gly886Val; replaces glycine 886 with valine.
Molecular consequence: missense variant.
Genome position (GRCh38, 1-based): chr2:50,497,555, C>A on the plus strand (G>T on the coding strand, the complement: NRXN1 is on the minus strand). VCF-style: chr2-50497555-C-A. GRCh37 (hg19) VCF-style: chr2-50724693-C-A.
Other names: c.2777G>T, p.Gly926Val (NM_001135659.3); c.2633G>T, p.Gly878Val (NM_001330077.2, NM_001330082.2); c.2591G>T, p.Gly864Val (NM_001330083.2, NM_001330084.2); c.2630G>T, p.Gly877Val (NM_001330085.2); c.2657G>T, p.Gly886Val (NM_001330086.2, NM_004801.6); c.2546G>T, p.Gly849Val (NM_001330087.2, NM_001330096.2); c.2576G>T, p.Gly859Val (NM_001330088.2); c.2654G>T, p.Gly885Val (NM_001330093.2); and 2 more; short protein forms G864V, G877V, G882V, G849V, G886V, G926V, G869V, G885V.
Identifiers: ClinVar variation 4122908 (VCV004122908.2).

ClinVar aggregate classification (germline): Uncertain significance. Review status: criteria provided, multiple submitters, no conflicts (2 of 4 stars). 2 submissions from 2 submitters: Uncertain significance (2). Last evaluated 2025-11-23.

Conditions:
Inborn genetic diseases. Identifiers: MedGen C0950123, MeSH D030342.
Pitt-Hopkins-like syndrome 2 (PTHSL2). Identifiers: Orphanet 221150, Orphanet 600663, MedGen C3280479, MONDO:0013690, OMIM 614325.

Submissions (2):

Labcorp Genetics (formerly Invitae), Labcorp
Classification: Uncertain significance for Pitt-Hopkins-like syndrome 2. Last evaluated: 2025-11-23. Review status: criteria provided, single submitter. Criteria: Invitae Variant Classification Sherloc (09022015). Collection method: clinical testing. Allele origin: germline.
Comment: This sequence change replaces glycine, which is neutral and non-polar, with valine, which is neutral and non-polar, at codon 926 of the NRXN1 protein (p.Gly926Val). This variant is not present in population databases (gnomAD no frequency). This variant has not been reported in the literature in individuals affected with NRXN1-related conditions. ClinVar contains an entry for this variant (Variation ID: 4122908). An algorithm developed to predict the effect of missense changes on protein structure and function (PolyPhen-2) suggests that this variant is likely to be disruptive. In summary, the available evidence is currently insufficient to determine the role of this variant in disease. Therefore, it has been classified as a Variant of Uncertain Significance.

Ambry Genetics
Classification: Uncertain significance for Inborn genetic diseases. Last evaluated: 2025-08-27. Review status: criteria provided, single submitter. Criteria: Ambry Variant Classification Scheme 2023. Collection method: clinical testing. Allele origin: germline.